The following is an entry in ClinVar:

ClinVar aggregate classification (germline): Uncertain significance. Review status: criteria provided, multiple submitters, no conflicts (2 of 4 stars). 2 submissions from 2 submitters: Uncertain significance (2). Last evaluated 2022-05-27.

Conditions:
DICER1-related tumor predisposition. Also called: DICER1-related pleuropulmonary blastoma cancer predisposition syndrome; DICER1 syndrome. Identifiers: Orphanet 284343, MedGen C3839822, MONDO:0100216.
Hereditary cancer-predisposing syndrome. Also called: Tumor predisposition; Neoplastic Syndromes, Hereditary; Hereditary Cancer Syndrome; Hereditary neoplastic syndrome. Identifiers: Orphanet 140162, MedGen C0027672, MeSH D009386, MONDO:0015356.

Submissions (2):

Labcorp Genetics (formerly Invitae), Labcorp
Classification: Uncertain significance for DICER1-related tumor predisposition. Last evaluated: 2022-05-27. Review status: criteria provided, single submitter. Criteria: Invitae Variant Classification Sherloc (09022015). Collection method: clinical testing. Allele origin: germline.
Comment: In summary, the available evidence is currently insufficient to determine the role of this variant in disease. Therefore, it has been classified as a Variant of Uncertain Significance. Algorithms developed to predict the effect of sequence changes on RNA splicing suggest that this variant may create or strengthen a splice site. Algorithms developed to predict the effect of missense changes on protein structure and function are either unavailable or do not agree on the potential impact of this missense change (SIFT: "Tolerated"; PolyPhen-2: "Possibly Damaging"; Align-GVGD: "Class C0"). ClinVar contains an entry for this variant (Variation ID: 479646). This variant has not been reported in the literature in individuals affected with DICER1-related conditions. This variant is not present in population databases (gnomAD no frequency). This sequence change replaces proline, which is neutral and non-polar, with arginine, which is basic and polar, at codon 1917 of the DICER1 protein (p.Pro1917Arg).

Ambry Genetics
Classification: Uncertain significance for Hereditary cancer-predisposing syndrome. Last evaluated: 2017-04-27. Review status: criteria provided, single submitter. Criteria: Ambry Variant Classification Scheme 2023. Collection method: clinical testing. Allele origin: germline.
Comment: The p.P1917R variant (also known as c.5750C>G), located in coding exon 26 of the DICER1 gene, results from a C to G substitution at nucleotide position 5750. The proline at codon 1917 is replaced by arginine, an amino acid with dissimilar properties. This amino acid position is highly conserved in available vertebrate species. In addition, this alteration is predicted to be deleterious by in silico analysis. Since supporting evidence is limited at this time, the clinical significance of this alteration remains unclear.

NM_177438.3(DICER1):c.5750C>G (p.Pro1917Arg)

Gene: DICER1 (dicer 1, ribonuclease III; minus strand). Cytogenetic location: 14q32.13.
Variant type: single nucleotide variant.
Coding change: c.5750C>G on transcript NM_177438.3 (MANE Select); coding-DNA position 5750, C replaced by G.
Protein change: p.Pro1917Arg; replaces proline 1917 with arginine.
Molecular consequence: missense variant. On other transcripts: 3 prime UTR variant (1).
Genome position (GRCh38, 1-based): chr14:95,090,517, G>C on the plus strand (C>G on the coding strand, the complement: DICER1 is on the minus strand). VCF-style: chr14-95090517-G-C. GRCh37 (hg19) VCF-style: chr14-95556854-G-C.
Other names: c.*97C>G (NM_001195573.1); c.5750C>G, p.Pro1917Arg (NM_001271282.3, NM_001291628.2, NM_030621.4); short protein forms P1917R.
Identifiers: ClinVar variation 479646 (VCV000479646.10), dbSNP rs1555365972, ClinGen allele CA390862906.
Genomic context (GRCh38, chr14:95,090,517, plus strand): 5'-TTTTTTGTTTTGTTTCTTGTTTTGAATTTTAAAAAGCGGTTTCAGCTATTGGGAACCTGA[G>C]GTTGATTAGCTTTGAGGCTTCGGAGGGCTCTTCTTGCTGCTGCAGATTTGGCAATCCTGT-3'
Protein context (NP_803187.1, residues 1907-1922): RALRSLKANQ[Pro1917Arg]QVPNS